The following is an entry in ClinVar:

NM_004519.4(KCNQ3):c.236G>A (p.Arg79Gln)

Gene: KCNQ3 (potassium voltage-gated channel subfamily Q member 3; minus strand). Cytogenetic location: 8q24.22.
Variant type: single nucleotide variant.
Coding change: c.236G>A on transcript NM_004519.4 (MANE Select); coding-DNA position 236, G replaced by A.
Protein change: p.Arg79Gln; replaces arginine 79 with glutamine.
Molecular consequence: missense variant.
Genome position (GRCh38, 1-based): chr8:132,480,297, C>T on the plus strand (G>A on the coding strand, the complement: KCNQ3 is on the minus strand). VCF-style: chr8-132480297-C-T. GRCh37 (hg19) VCF-style: chr8-133492544-C-T.
Other names: short protein forms R79Q.
Identifiers: ClinVar variation 1469718 (VCV001469718.6), dbSNP rs778442808, ClinGen allele CA4880991.

ClinVar aggregate classification (germline): Uncertain significance (1 of 4 stars; one submission).

Conditions:
Benign neonatal seizures. Also called: Benign neonatal familial convulsions; Benign familial neonatal seizures; Benign familial neonatal epilepsy; Convulsions benign familial neonatal dominant form; Autosomal dominant form of benign neonatal seizures. Identifiers: Orphanet 1949, MedGen C0220669, MONDO:0016027.

Allele frequency attached by ClinVar (database versions not stated): ExAC 0.00001; gnomAD exomes 0.00002; TOPMed 0.00002; gnomAD 0.00005 and 0.00006.
gnomAD v4.1: 12 of 1,605,452 alleles (0.00075%); highest among the groups gnomAD compares: African/African-American, 0.016%; no homozygotes.

Submission:

Labcorp Genetics (formerly Invitae), Labcorp
Classification: Uncertain significance for Benign neonatal seizures. Last evaluated: 2023-05-17. Review status: criteria provided, single submitter. Criteria: Invitae Variant Classification Sherloc (09022015). Collection method: clinical testing. Allele origin: germline.
Comment: In summary, the available evidence is currently insufficient to determine the role of this variant in disease. Therefore, it has been classified as a Variant of Uncertain Significance. This sequence change replaces arginine, which is basic and polar, with glutamine, which is neutral and polar, at codon 79 of the KCNQ3 protein (p.Arg79Gln). This variant is present in population databases (rs778442808, gnomAD 0.03%). This variant has not been reported in the literature in individuals affected with KCNQ3-related conditions. ClinVar contains an entry for this variant (Variation ID: 1469718). Advanced modeling of protein sequence and biophysical properties (such as structural, functional, and spatial information, amino acid conservation, physicochemical variation, residue mobility, and thermodynamic stability) performed at Invitae indicates that this missense variant is not expected to disrupt KCNQ3 protein function.